The following is an entry in ClinVar:

NM_000166.6(GJB1):c.221T>C (p.Val74Ala)

Gene: GJB1 (gap junction protein beta 1; plus strand). Cytogenetic location: Xq13.1.
Variant type: single nucleotide variant.
Coding change: c.221T>C on transcript NM_000166.6 (MANE Select); coding-DNA position 221, T replaced by C.
Protein change: p.Val74Ala; replaces valine 74 with alanine.
Molecular consequence: missense variant.
Genome position (GRCh38, 1-based): chrX:71,223,928, T>C. VCF-style: chrX-71223928-T-C. GRCh37 (hg19) VCF-style: chrX-70443778-T-C.
Other names: c.221T>C, p.Val74Ala (NM_001097642.3); short protein forms V74A.
Identifiers: ClinVar variation 853244 (VCV000853244.8), dbSNP rs2092543367, ClinGen allele CA413501557.

ClinVar aggregate classification (germline): Conflicting classifications of pathogenicity. Review status: criteria provided, conflicting classifications (1 of 4 stars). 2 submissions from 2 submitters: Likely pathogenic (1); Uncertain significance (1). Last evaluated 2026-01-26.

Conditions:
Charcot-Marie-Tooth Neuropathy X. Identifiers: MedGen CN118851.

Submissions (2):

Labcorp Genetics (formerly Invitae), Labcorp
Classification: Likely pathogenic for Charcot-Marie-Tooth Neuropathy X. Last evaluated: 2026-01-26. Review status: criteria provided, single submitter. Criteria: Invitae Variant Classification Sherloc (09022015). Collection method: clinical testing. Allele origin: germline.
Comment: This sequence change replaces valine, which is neutral and non-polar, with alanine, which is neutral and non-polar, at codon 74 of the GJB1 protein (p.Val74Ala). This variant is not present in population databases (gnomAD no frequency). This missense change has been observed in individuals with clinical features of GJB1-related conditions (PMID: 32903794, 37284795; internal data). ClinVar contains an entry for this variant (Variation ID: 853244). Invitae Evidence Modeling of protein sequence and biophysical properties (such as structural, functional, and spatial information, amino acid conservation, physicochemical variation, residue mobility, and thermodynamic stability) has been performed for this missense variant. However, the output from this modeling did not meet the statistical confidence thresholds required to predict the impact of this variant on GJB1 protein function. This variant disrupts the p.Val74 amino acid residue in GJB1. Other variant(s) that disrupt this residue have been determined to be pathogenic (PMID: 23649551, 27804109). This suggests that this residue is clinically significant, and that variants that disrupt this residue are likely to be disease-causing. In summary, the currently available evidence indicates that the variant is pathogenic, but additional data are needed to prove that conclusively. Therefore, this variant has been classified as Likely Pathogenic.

Athena Diagnostics
Classification: Uncertain significance. Last evaluated: 2024-01-19. Review status: criteria provided, single submitter. Criteria: Athena Diagnostics Criteria. Collection method: clinical testing. Allele origin: unknown.
Comment: Available data are insufficient to determine the clinical significance of the variant at this time. This variant has been identified in at least one individual with clinical features associated with this gene. This variant has not been reported in large, multi-ethnic general populations. Computational tools predict that this variant is damaging.

Literature cited by the submitters: PubMed 32903794 (cited by Labcorp Genetics (formerly Invitae), Labcorp and Athena Diagnostics); PubMed 37284795 (cited by Labcorp Genetics (formerly Invitae), Labcorp); PubMed 23649551 (cited by Labcorp Genetics (formerly Invitae), Labcorp); PubMed 27804109 (cited by Labcorp Genetics (formerly Invitae), Labcorp).